The following is an entry in ClinVar:

NM_004526.4(MCM2):c.2029C>T (p.Arg677Cys)

Gene: MCM2 (minichromosome maintenance complex component 2; plus strand). Cytogenetic location: 3q21.3.
Variant type: single nucleotide variant.
Coding change: c.2029C>T on transcript NM_004526.4 (MANE Select); coding-DNA position 2029, C replaced by T.
Protein change: p.Arg677Cys; replaces arginine 677 with cysteine.
Molecular consequence: missense variant. On other transcripts: non-coding transcript variant (1).
Genome position (GRCh38, 1-based): chr3:127,619,042, C>T. VCF-style: chr3-127619042-C-T. GRCh37 (hg19) VCF-style: chr3-127337885-C-T.
Other names: short protein forms R677C.
Identifiers: ClinVar variation 4703264 (VCV004703264.1).

ClinVar aggregate classification (germline): Uncertain significance (1 of 4 stars; one submission).

gnomAD v4.1: 35 of 1,602,706 alleles (0.0022%); highest among the groups gnomAD compares: South Asian, 0.01%; no homozygotes.

Submission:

Labcorp Genetics (formerly Invitae), Labcorp
Classification: Uncertain significance. Last evaluated: 2025-08-18. Review status: criteria provided, single submitter. Criteria: Invitae Variant Classification Sherloc (09022015). Collection method: clinical testing. Allele origin: germline.
Comment: This sequence change replaces arginine, which is basic and polar, with cysteine, which is neutral and slightly polar, at codon 677 of the MCM2 protein (p.Arg677Cys). The frequency data for this variant in the population databases is considered unreliable, as metrics indicate poor data quality at this position in the gnomAD database. This variant has not been reported in the literature in individuals affected with MCM2-related conditions. Invitae Evidence Modeling of protein sequence and biophysical properties (such as structural, functional, and spatial information, amino acid conservation, physicochemical variation, residue mobility, and thermodynamic stability) indicates that this missense variant is expected to disrupt MCM2 protein function with a positive predictive value of 80%. In summary, the available evidence is currently insufficient to determine the role of this variant in disease. Therefore, it has been classified as a Variant of Uncertain Significance.